The following is an entry in ClinVar:

ClinVar aggregate classification (germline): Uncertain significance (1 of 4 stars; one submission).

Allele frequency attached by ClinVar (database versions not stated): TOPMed below 0.00001; gnomAD 0.00001 and 0.00002; gnomAD exomes 0.00001.
gnomAD v4.1: 18 of 1,614,118 alleles (0.0011%); highest among the groups gnomAD compares: African/African-American, 0.0027%; no homozygotes.

Submission:

Labcorp Genetics (formerly Invitae), Labcorp
Classification: Uncertain significance. Last evaluated: 2021-09-01. Review status: criteria provided, single submitter. Criteria: Invitae Variant Classification Sherloc (09022015). Collection method: clinical testing. Allele origin: germline.
Comment: This sequence change replaces arginine with glutamine at codon 496 of the PTPN23 protein (p.Arg496Gln). The arginine residue is moderately conserved and there is a small physicochemical difference between arginine and glutamine. This variant is not present in population databases (ExAC no frequency). This variant has not been reported in the literature in individuals affected with PTPN23-related conditions. Algorithms developed to predict the effect of missense changes on protein structure and function are either unavailable or do not agree on the potential impact of this missense change (SIFT: "Tolerated"; PolyPhen-2: "Not Available"; Align-GVGD: "Class C0"). In summary, the available evidence is currently insufficient to determine the role of this variant in disease. Therefore, it has been classified as a Variant of Uncertain Significance.

NM_015466.4(PTPN23):c.1487G>A (p.Arg496Gln)

Gene: PTPN23 (protein tyrosine phosphatase non-receptor type 23; plus strand). Cytogenetic location: 3p21.31.
Variant type: single nucleotide variant.
Coding change: c.1487G>A on transcript NM_015466.4 (MANE Select); coding-DNA position 1487, G replaced by A.
Protein change: p.Arg496Gln; replaces arginine 496 with glutamine.
Molecular consequence: missense variant.
Genome position (GRCh38, 1-based): chr3:47,408,932, G>A. VCF-style: chr3-47408932-G-A. GRCh37 (hg19) VCF-style: chr3-47450422-G-A.
Other names: c.1109G>A, p.Arg370Gln (NM_001304482.2); short protein forms R370Q, R496Q.
Identifiers: ClinVar variation 1466090 (VCV001466090.5), dbSNP rs1404959872, ClinGen allele CA352553999.